The following is an entry in ClinVar:

NM_005751.5(AKAP9):c.10033C>A (p.Leu3345Met)

Gene: AKAP9 (A-kinase anchoring protein 9; plus strand). Cytogenetic location: 7q21.2.
Variant type: single nucleotide variant.
Coding change: c.10033C>A on transcript NM_005751.5 (MANE Select); coding-DNA position 10033, C replaced by A.
Protein change: p.Leu3345Met; replaces leucine 3345 with methionine.
Molecular consequence: missense variant.
Genome position (GRCh38, 1-based): chr7:92,096,992, C>A. VCF-style: chr7-92096992-C-A. GRCh37 (hg19) VCF-style: chr7-91726306-C-A.
Other names: c.4678C>A, p.Leu1560Met (NM_001379277.1); c.10009C>A, p.Leu3337Met (NM_147185.3); short protein forms L1560M, L3337M, L3345M.
Identifiers: ClinVar variation 2732128 (VCV002732128.4), dbSNP rs1276348861, ClinGen allele CA368152849.
Genomic context (GRCh38, chr7:92,096,992, plus strand): 5'-CAGCTGCAGAGCAGTGATGGTACTGGACAGTCTCGGCCACCCTTGCCCTCAGAGGACCTA[C>A]TGAAAGAGCTGCAGAAACAGCTAGAGGAAAAACACAGTCGCATAGTAGAATTGTTAAATG-3'
Protein context (NP_005742.4, residues 3335-3355): SRPPLPSEDL[Leu3345Met]KELQKQLEEK

ClinVar aggregate classification (germline): Uncertain significance. Review status: criteria provided, multiple submitters, no conflicts (2 of 4 stars). 2 submissions from 2 submitters: Uncertain significance (2). Last evaluated 2025-08-10.

Conditions:
Long QT syndrome (LQTS). Identifiers: MedGen C0023976, MeSH D008133, MONDO:0002442. Disease mechanism: loss of function. Inheritance: Various modes of inheritance.
Cardiovascular phenotype. Identifiers: MedGen CN230736.

Submissions (2):

Ambry Genetics
Classification: Uncertain significance for Cardiovascular phenotype. Last evaluated: 2025-08-10. Review status: criteria provided, single submitter. Criteria: Ambry Variant Classification Scheme 2023. Collection method: clinical testing. Allele origin: germline.

Labcorp Genetics (formerly Invitae), Labcorp
Classification: Uncertain significance for Long QT syndrome. Last evaluated: 2023-02-17. Review status: criteria provided, single submitter. Criteria: Invitae Variant Classification Sherloc (09022015). Collection method: clinical testing. Allele origin: germline.
Comment: This variant has not been reported in the literature in individuals affected with AKAP9-related conditions. This variant is not present in population databases (gnomAD no frequency). This sequence change replaces leucine, which is neutral and non-polar, with methionine, which is neutral and non-polar, at codon 3345 of the AKAP9 protein (p.Leu3345Met). An algorithm developed to predict the effect of missense changes on protein structure and function (PolyPhen-2) suggests that this variant is likely to be disruptive. In summary, the available evidence is currently insufficient to determine the role of this variant in disease. Therefore, it has been classified as a Variant of Uncertain Significance.